The following is an entry in ClinVar:

ClinVar aggregate classification (germline): Uncertain significance (1 of 4 stars; one submission).

Conditions:
Long QT syndrome (LQTS). Identifiers: MedGen C0023976, MeSH D008133, MONDO:0002442. Disease mechanism: loss of function. Inheritance: Various modes of inheritance.

Submission:

Labcorp Genetics (formerly Invitae), Labcorp
Classification: Uncertain significance for Long QT syndrome. Last evaluated: 2024-05-07. Review status: criteria provided, single submitter. Criteria: Invitae Variant Classification Sherloc (09022015). Collection method: clinical testing. Allele origin: germline.
Comment: This sequence change replaces alanine, which is neutral and non-polar, with valine, which is neutral and non-polar, at codon 2949 of the AKAP9 protein (p.Ala2949Val). This variant is not present in population databases (gnomAD no frequency). This variant has not been reported in the literature in individuals affected with AKAP9-related conditions. An algorithm developed to predict the effect of missense changes on protein structure and function (PolyPhen-2) suggests that this variant is likely to be disruptive. In summary, the available evidence is currently insufficient to determine the role of this variant in disease. Therefore, it has been classified as a Variant of Uncertain Significance.

NM_005751.5(AKAP9):c.8846C>T (p.Ala2949Val)

Gene: AKAP9 (A-kinase anchoring protein 9; plus strand). Cytogenetic location: 7q21.2.
Variant type: single nucleotide variant.
Coding change: c.8846C>T on transcript NM_005751.5 (MANE Select); coding-DNA position 8846, C replaced by T.
Protein change: p.Ala2949Val; replaces alanine 2949 with valine.
Molecular consequence: missense variant.
Genome position (GRCh38, 1-based): chr7:92,085,508, C>T. VCF-style: chr7-92085508-C-T. GRCh37 (hg19) VCF-style: chr7-91714822-C-T.
Other names: c.3491C>T, p.Ala1164Val (NM_001379277.1); c.8822C>T, p.Ala2941Val (NM_147185.3); short protein forms A2949V, A1164V, A2941V.
Identifiers: ClinVar variation 2745540 (VCV002745540.3), dbSNP rs747820311, ClinGen allele CA368142776.